The following is an entry in ClinVar:

NM_001868.4(CPA1):c.76C>G (p.Leu26Val)

Gene: CPA1 (carboxypeptidase A1; plus strand). Cytogenetic location: 7q32.2.
Variant type: single nucleotide variant.
Coding change: c.76C>G on transcript NM_001868.4 (MANE Select); coding-DNA position 76, C replaced by G.
Protein change: p.Leu26Val; replaces leucine 26 with valine.
Molecular consequence: missense variant.
Genome position (GRCh38, 1-based): chr7:130,381,108, C>G. VCF-style: chr7-130381108-C-G. GRCh37 (hg19) VCF-style: chr7-130020949-C-G.
Other names: short protein forms L26V.
Identifiers: ClinVar variation 1760202 (VCV001760202.3), dbSNP rs2536003648, ClinGen allele CA369279184.

ClinVar aggregate classification (germline): Uncertain significance (1 of 4 stars; one submission).

Conditions:
Hereditary pancreatitis (PCTT). Also called: Hereditary chronic pancreatitis; PRSS1-Related Hereditary Pancreatitis. Identifiers: Orphanet 676, MedGen C0238339, MONDO:0008185, OMIM 167800.

Submission:

Ambry Genetics
Classification: Uncertain significance for Hereditary pancreatitis. Last evaluated: 2024-11-23. Review status: criteria provided, single submitter. Criteria: Ambry Variant Classification Scheme 2023. Collection method: clinical testing. Allele origin: germline.
Comment: The p.L26V variant (also known as c.76C>G), located in coding exon 2 of the CPA1 gene, results from a C to G substitution at nucleotide position 76. The leucine at codon 26 is replaced by valine, an amino acid with highly similar properties. This amino acid position is conserved. In addition, this alteration is predicted to be tolerated by in silico analysis. Since supporting evidence is limited at this time, the clinical significance of this alteration remains unclear.